The following is an entry in ClinVar:

NM_001193375.3(NDUFA11):c.590_600del (p.His197fs)

Gene: NDUFA11 (NADH:ubiquinone oxidoreductase subunit A11; minus strand). Cytogenetic location: 19p13.3.
Variant type: Deletion.
Coding change: c.590_600del on transcript NM_001193375.3; coding-DNA positions 590 to 600, 11 bases deleted (ACACCCACCCC).
Protein change: p.His197fs; shifts the reading frame from histidine 197.
Molecular consequence: frameshift variant.
Genome position (GRCh38, 1-based): chr19:5,893,004-5,893,014, GGGGTGGGTGT deleted on the plus strand (ACACCCACCCC on the coding strand, the reverse complement: NDUFA11 is on the minus strand); deleting any 11 consecutive bases within chr19:5,893,004-5,893,015 gives the same sequence; the c. name uses the placement nearest the transcript's 3' end. VCF-style (leftmost placement, unchanged base first): chr19-5893003-CGGGGTGGGTGT-C. GRCh37 (hg19) VCF-style: chr19-5893014-CGGGGTGGGTGT-C.
Other names: short protein forms H197fs.
Identifiers: ClinVar variation 3065307 (VCV003065307.3), dbSNP rs1278219061, ClinGen allele CA631719843.

ClinVar aggregate classification (germline): Uncertain significance. Review status: criteria provided, multiple submitters, no conflicts (2 of 4 stars). 2 submissions from 2 submitters: Uncertain significance (2). Last evaluated 2025-07-29.

Conditions:
Mitochondrial complex I deficiency, nuclear type 14. Also called: Mitochondrial complex 1 deficiency, nuclear type 14. Identifiers: MedGen C4748777, MONDO:0032619, OMIM 618236.

Submissions (2):

Dasa
Classification: Uncertain significance. Last evaluated: 2025-07-29. Review status: criteria provided, single submitter. Criteria: DASA Assertion Criteria. Collection method: clinical testing. Allele origin: germline.
Comment: NM_001193375.3(NDUFA11):c.590_600del (p.His197Argfs*227) is a frameshift variant in NDUFA11 predicted to alter the reading frame and introduce a premature termination codon. This variant is rare in population databases. The currently available literature and clinical evidence are not sufficient to establish a definitive association between this variant and the reported condition. Therefore, this variant is classified as a variant of uncertain significance.

Genomic Medicine Center of Excellence, King Faisal Specialist Hospital and Research Centre
Classification: Uncertain significance for Mitochondrial complex I deficiency, nuclear type 14. Last evaluated: 2024-03-26. Review status: criteria provided, single submitter. Criteria: ACMG Guidelines, 2015. Collection method: clinical testing. Allele origin: germline.